The following is an entry in ClinVar:

NM_152564.5(VPS13B):c.6727G>T (p.Glu2243Ter)

Gene: VPS13B (vacuolar protein sorting 13 homolog B; plus strand). Cytogenetic location: 8q22.2.
Variant type: single nucleotide variant.
Coding change: c.6727G>T on transcript NM_152564.5 (MANE Select); coding-DNA position 6727, G replaced by T.
Protein change: p.Glu2243Ter; replaces glutamic acid 2243 with a stop codon.
Molecular consequence: nonsense.
Genome position (GRCh38, 1-based): chr8:99,720,414, G>T. VCF-style: chr8-99720414-G-T. GRCh37 (hg19) VCF-style: chr8-100732642-G-T.
Other names: NM_152564.5(VPS13B):c.6727G>T; p.Glu2243Ter; c.6727G>T (NM_152564.4); c.6802G>T, p.Glu2268Ter (NM_017890.5); short protein forms E2268*, E2243*.
Identifiers: ClinVar variation 279780 (VCV000279780.31), dbSNP rs146960401, ClinGen allele CA4824081.

ClinVar aggregate classification (germline): Pathogenic/Likely pathogenic. Review status: criteria provided, multiple submitters, no conflicts (2 of 4 stars). 13 submissions from 13 submitters: Pathogenic (7); Likely pathogenic (4). 2 of the submissions do not count toward it. Last evaluated 2026-01-27.

Conditions:
VPS13B-related disorder. Also called: VPS13B-related condition.
Cohen syndrome (COH1). Also called: Cutis verticis gyrata, retinitis pigmentosa, and sensorineural deafness; PEPPER SYNDROME. Identifiers: Orphanet 193, MedGen C0265223, MONDO:0008999, OMIM 216550.

Allele frequency attached by ClinVar (database versions not stated): gnomAD exomes 0.00004 and 0.00006; gnomAD 0.00005 and 0.00006; TOPMed 0.00005; ExAC 0.00007; ESP Exome Variant Server 0.00015.
gnomAD v4.1: 72 of 1,613,838 alleles (0.0045%); highest among the groups gnomAD compares: Non-Finnish European, 0.0053%; no homozygotes.

Submissions (13):

Victorian Clinical Genetics Services, Murdoch Childrens Research Institute
Classification: Pathogenic for Cohen syndrome. Last evaluated: 2026-01-27. Review status: criteria provided, single submitter. Criteria: ACMG Guidelines, 2015. Collection method: clinical testing. Allele origin: germline. Affected: yes.
Comment: This variant is classified as Pathogenic. Evidence in support of pathogenic classification: Variant is predicted to cause nonsense-mediated decay (NMD) and loss of protein (premature termination codon is located at least 54 nucleotides upstream of the final exon-exon junction); Variant is present in gnomAD <0.01 for a recessive condition (v4: 72 heterozygote(s), 0 homozygote(s)). - This variant has strong previous evidence of pathogenicity in unrelated individuals. This variant has been classified as likely pathogenic or pathogenic by multiple clinical laboratories in ClinVar; Other NMD predicted variants comparable to the one identified in this case have very strong previous evidence for pathogenicity (DECIPHER). Additional information: This variant is heterozygous; This gene is associated with autosomal recessive disease; Loss of function is a known mechanism of disease in this gene and is associated with Cohen syndrome (MIM#216550).

Labcorp Genetics (formerly Invitae), Labcorp
Classification: Pathogenic for Cohen syndrome. Last evaluated: 2026-01-03. Review status: criteria provided, single submitter. Criteria: Invitae Variant Classification Sherloc (09022015). Collection method: clinical testing. Allele origin: germline.
Comment: This sequence change creates a premature translational stop signal (p.Glu2268*) in the VPS13B gene. It is expected to result in an absent or disrupted protein product. Loss-of-function variants in VPS13B are known to be pathogenic (PMID: 15141358, 16648375, 20461111). This variant is present in population databases (rs146960401, gnomAD 0.03%). This variant has not been reported in the literature in individuals affected with VPS13B-related conditions. ClinVar contains an entry for this variant (Variation ID: 279780). Algorithms developed to predict the effect of sequence changes on RNA splicing suggest that this variant may disrupt the consensus splice site. For these reasons, this variant has been classified as Pathogenic.

Women's Health and Genetics/Laboratory Corporation of America, LabCorp
Classification: Pathogenic for Cohen syndrome. Last evaluated: 2025-12-02. Review status: criteria provided, single submitter. Criteria: LabCorp Variant Classification Summary - May 2015. Collection method: clinical testing. Allele origin: germline.
Comment: Variant summary: VPS13B c.6802G>T (p.Glu2268X) results in a premature termination codon, predicted to cause a truncation of the encoded protein or absence of the protein due to nonsense mediated decay, which are commonly known mechanisms for disease. The variant allele was found at a frequency of 5.6e-05 in 251116 control chromosomes. This frequency is not significantly higher than estimated for disease-causing variants in VPS13B, allowing no conclusion about variant significance. To our knowledge, c.6802G>T has not been observed in individual(s) affected with Cohen Syndrome and no experimental evidence demonstrating an impact on protein function has been reported. ClinVar contains an entry for this variant (Variation ID: 279780). Based on the evidence outlined above, the variant was classified as pathogenic.

Natera, Inc.
Classification: Likely pathogenic for Cohen syndrome. Last evaluated: 2025-09-24. Review status: criteria provided, single submitter. Criteria: Natera Variant Classification Schema (03/2026). Collection method: clinical testing. Allele origin: germline.
Comment: The c.6802G>T variant in VPS13B is a nonsense variant predicted to introduce a stop codon at amino acid 2268. This variant is expected to result in nonsense mediated decay, truncation, or a dysfunctional protein product. This variant is rare in the general population with a frequency below the threshold expected for the associated phenotype(s). Given the available evidence, this variant is classified as Likely Pathogenic.

Blueprint Genetics
Classification: Likely pathogenic for VPS13B-related disorders. Last evaluated: 2024-11-15. Review status: criteria provided, single submitter. Criteria: ACMG Guidelines, 2015. Collection method: clinical testing. Allele origin: germline. Affected: yes. Observed: 4 variant alleles.

Fulgent Genetics
Classification: Pathogenic for Cohen syndrome. Last evaluated: 2024-06-07. Review status: criteria provided, single submitter. Criteria: ACMG Guidelines, 2015. Collection method: clinical testing. Allele origin: germline.

Broad Center for Mendelian Genomics, Broad Institute of MIT and Harvard
Classification: Likely pathogenic for Cohen syndrome. Last evaluated: 2023-05-02. Review status: criteria provided, single submitter. Criteria: ACMG Guidelines, 2015. Collection method: curation. Allele origin: germline. Inheritance: Autosomal recessive inheritance.
Comment: Trio exome analysis revealed that this variant was in trans with a likely pathogenic variant (ClinVar Variation ID: 280580). The p.Glu2268Ter variant in VPS13B has been previously reported in one individual with Cohen syndrome (PMID: 25326635) but has been identified in 0.03% (3/10360) of Ashkenazi Jewish chromosomes by the Genome Aggregation Database (gnomAD; dbSNP ID: rs146960401). Although this variant has been seen in the general population in a heterozygous state, its frequency is not high enough to rule out a pathogenic role. This variant has also been reported in ClinVar (Variation ID: 279780) and has been interpreted as pathogenic or likely pathogenic by multiple submitters. This nonsense variant leads to a premature termination codon at position 2268, which is predicted to lead to a truncated or absent protein. Loss of function of the VPS13B gene is an established disease mechanism in autosomal recessive Cohen syndrome. In summary, although additional studies are required to fully establish its clinical significance, this variant is likely pathogenic for autosomal recessive Cohen syndrome. ACMG/AMP Criteria applied: PVS1, PM3 (Richards 2015).

GeneDx
Classification: Pathogenic. Last evaluated: 2022-05-26. Review status: criteria provided, single submitter. Criteria: GeneDx Variant Classification Process June 2021. Collection method: clinical testing. Allele origin: germline. Affected: yes.
Comment: Observed as heterozygous in a cohort of individuals undergoing whole genome sequencing with deep phenotyping, but clinical information was not included (Hou et al., 2020); Nonsense variant predicted to result in protein truncation or nonsense mediated decay in a gene for which loss-of-function is a known mechanism of disease; This variant is associated with the following publications: (PMID: 27535533, 31980526)

Greenwood Genetic Center Diagnostic Laboratories, Greenwood Genetic Center
Classification: Likely pathogenic. Last evaluated: 2021-01-12. Review status: criteria provided, single submitter. Criteria: ACMG Guidelines, 2015. Collection method: clinical testing. Allele origin: germline. Affected: yes.
Comment: PVS1, PM2

Revvity Omics, Revvity
Classification: Pathogenic for Cohen syndrome. Last evaluated: 2020-11-12. Review status: criteria provided, single submitter. Criteria: ACMG Guidelines, 2015. Collection method: clinical testing. Allele origin: germline.

Baylor Genetics
Classification: Pathogenic for Cohen syndrome. Last evaluated: 2017-09-01. Review status: criteria provided, single submitter. Criteria: ACMG Guidelines, 2015. Collection method: clinical testing. Allele origin: paternal. Inheritance: Autosomal recessive inheritance. Affected: yes.

PreventionGenetics, part of Exact Sciences
Classification: Pathogenic for VPS13B-related condition. Last evaluated: 2024-06-03. Review status: no assertion criteria provided. Collection method: clinical testing. Allele origin: germline. Not counted in ClinVar's aggregate classification.
Comment: The VPS13B c.6727G>T variant is predicted to result in premature protein termination (p.Glu2243*). This variant is also known as c.6802G>T, (p.Glu2268*) in an alternate transcript (NM_017890.4). This variant has been documented in a prospective cohort of individuals undergoing whole-genome sequencing, comprehensive metabolomics, and advanced imaging (Supplementary Dataset 1 in Hou. 2020. PubMed ID: 31980526). This variant is reported in 0.029% of alleles in individuals of Ashkenazi Jewish descent in gnomAD. Nonsense variants in VPS13B are expected to be pathogenic. Based on this evidence, we interpret this variant as pathogenic.

Counsyl
Classification: Likely pathogenic for Cohen syndrome. Last evaluated: 2014-01-02. Review status: no assertion criteria provided. Collection method: clinical testing. Allele origin: unknown. Not counted in ClinVar's aggregate classification.

Literature cited by the submitters: PubMed 15141358 (cited by Labcorp Genetics (formerly Invitae), Labcorp); PubMed 16648375 (cited by Labcorp Genetics (formerly Invitae), Labcorp); PubMed 20461111 (cited by Labcorp Genetics (formerly Invitae), Labcorp); PubMed 31980526 (cited by Women's Health and Genetics/Laboratory Corporation of America, LabCorp); PubMed 25326635 (cited by Baylor Genetics).